The following is an entry in ClinVar:

NM_181882.3(PRX):c.575G>A (p.Arg192Gln)

Gene: PRX (periaxin; minus strand). Cytogenetic location: 19q13.2.
Variant type: single nucleotide variant.
Coding change: c.575G>A on transcript NM_181882.3 (MANE Select); coding-DNA position 575, G replaced by A.
Protein change: p.Arg192Gln; replaces arginine 192 with glutamine.
Molecular consequence: missense variant. On other transcripts: 3 prime UTR variant (1).
Genome position (GRCh38, 1-based): chr19:40,397,777, C>T on the plus strand (G>A on the coding strand, the complement: PRX is on the minus strand). VCF-style: chr19-40397777-C-T. GRCh37 (hg19) VCF-style: chr19-40903684-C-T.
Other names: c.*780G>A (NM_020956.2); short protein forms R192Q.
Identifiers: ClinVar variation 893820 (VCV000893820.7), dbSNP rs944160754, ClinGen allele CA308421753.

ClinVar aggregate classification (germline): Uncertain significance. Review status: criteria provided, multiple submitters, no conflicts (2 of 4 stars). 2 submissions from 2 submitters: Uncertain significance (2). Last evaluated 2022-04-12.

Conditions:
Charcot-Marie-Tooth disease type 4. Also called: Charcot-Marie-Tooth disease, type IV; Charcot-Marie-Tooth, Type 4. Identifiers: Orphanet 64749, MedGen C4082197, MONDO:0018995.
Charcot-Marie-Tooth disease type 4F. Also called: Charcot-Marie-Tooth disease, demyelinating, type 4F. Identifiers: Orphanet 99952, MedGen C3540453, MONDO:0013959, OMIM 614895.

Allele frequency attached by ClinVar (database versions not stated): gnomAD 0.00001; gnomAD exomes 0.00001; TOPMed 0.00002.
gnomAD v4.1: 13 of 1,570,214 alleles (0.00083%); highest among the groups gnomAD compares: Admixed American, 0.0038%; no homozygotes.

Submissions (2):

Labcorp Genetics (formerly Invitae), Labcorp
Classification: Uncertain significance for Charcot-Marie-Tooth disease type 4. Last evaluated: 2022-04-12. Review status: criteria provided, single submitter. Criteria: Invitae Variant Classification Sherloc (09022015). Collection method: clinical testing. Allele origin: germline.
Comment: This sequence change replaces arginine, which is basic and polar, with glutamine, which is neutral and polar, at codon 192 of the PRX protein (p.Arg192Gln). The frequency data for this variant in the population databases is considered unreliable, as metrics indicate poor data quality at this position in the gnomAD database. This variant has not been reported in the literature in individuals affected with PRX-related conditions. ClinVar contains an entry for this variant (Variation ID: 893820). Algorithms developed to predict the effect of missense changes on protein structure and function output the following: SIFT: "Tolerated"; PolyPhen-2: "Benign"; Align-GVGD: "Class C0". The glutamine amino acid residue is found in multiple mammalian species, which suggests that this missense change does not adversely affect protein function. In summary, the available evidence is currently insufficient to determine the role of this variant in disease. Therefore, it has been classified as a Variant of Uncertain Significance.

Illumina Laboratory Services, Illumina
Classification: Uncertain significance for Charcot-Marie-Tooth disease type 4F. Last evaluated: 2018-03-02. Review status: criteria provided, single submitter. Criteria: ICSL Variant Classification Criteria 13 December 2019. Collection method: clinical testing. Allele origin: germline.